The following is an entry in ClinVar:

ClinVar aggregate classification (germline): Conflicting classifications of pathogenicity. Review status: criteria provided, conflicting classifications (1 of 4 stars). 3 submissions from 3 submitters: Uncertain significance (2); Likely benign (1). Last evaluated 2026-01-19.

Conditions:
Malignant hyperthermia, susceptibility to, 5 (MHS5). Also called: CACNA1S-Related Malignant Hyperthermia Susceptibility. Identifiers: Orphanet 423, MedGen C1866077, MONDO:0011163, OMIM 601887.
Hypokalemic periodic paralysis, type 1. Also called: HypoPP; Hypokalemic Periodic Paralysis Type 1 (AD). Identifiers: Orphanet 681, MedGen C3714580, MONDO:0042979, OMIM 170400.

Allele frequency attached by ClinVar (database versions not stated): gnomAD exomes below 0.00001 and 0.00001; TOPMed 0.00001; gnomAD 0.00002; ESP Exome Variant Server 0.00008.
gnomAD v4.1: 6 of 1,613,304 alleles (0.00037%); highest among the groups gnomAD compares: Non-Finnish European, 0.00051%; no homozygotes.

Submissions (3):

Labcorp Genetics (formerly Invitae), Labcorp
Classification: Likely benign for Hypokalemic periodic paralysis, type 1; Malignant hyperthermia, susceptibility to, 5. Last evaluated: 2026-01-19. Review status: criteria provided, single submitter. Criteria: Invitae Variant Classification Sherloc (09022015). Collection method: clinical testing. Allele origin: germline.

Color Diagnostics, LLC DBA Color Health
Classification: Uncertain significance for Malignant hyperthermia, susceptibility to, 5. Last evaluated: 2025-07-07. Review status: criteria provided, single submitter. Criteria: ACMG Guidelines, 2015. Collection method: clinical testing. Allele origin: germline.
Comment: This variant is located in the CACNA1S protein. To our knowledge, functional studies have not been reported for this variant. This variant has not been reported in individuals affected with CACNA1S-related disorders in the literature. This variant has been identified in 3/280856 chromosomes in the general population by the Genome Aggregation Database (gnomAD). The available evidence is insufficient to determine the role of this variant in disease conclusively. Therefore, this variant is classified as a Variant of Uncertain Significance.

All of Us Research Program, National Institutes of Health
Classification: Uncertain significance for Malignant hyperthermia, susceptibility to, 5. Last evaluated: 2023-07-10. Review status: criteria provided, single submitter. Criteria: ACMG Guidelines, 2015. Collection method: clinical testing. Allele origin: germline. Inheritance: Autosomal dominant inheritance. Observed: 2 variant alleles, 2 heterozygotes.
Comment: This variant is located in the CACNA1S protein. To our knowledge, functional studies have not been reported for this variant. This variant has not been reported in individuals affected with CACNA1S-related disorders in the literature. This variant has been identified in 3/280856 chromosomes in the general population by the Genome Aggregation Database (gnomAD). The available evidence is insufficient to determine the role of this variant in disease conclusively. Therefore, this variant is classified as a Variant of Uncertain Significance.

This study involves interpretation of variants in research participants for the purpose of population health screening. Participant phenotype was not available at the time of variant classification. Additional details can be found in publication PMID: 35346344, PMCID: PMC8962531

NM_000069.3(CACNA1S):c.5238G>A (p.Val1746=)

Gene: CACNA1S (calcium voltage-gated channel subunit alpha1 S; minus strand). Cytogenetic location: 1q32.1.
Variant type: single nucleotide variant.
Coding change: c.5238G>A on transcript NM_000069.3 (MANE Select); coding-DNA position 5238, G replaced by A.
Protein change: p.Val1746=; no amino-acid change (valine 1746 retained).
Molecular consequence: synonymous variant.
Genome position (GRCh38, 1-based): chr1:201,040,363, C>T on the plus strand (G>A on the coding strand, the complement: CACNA1S is on the minus strand). VCF-style: chr1-201040363-C-T. GRCh37 (hg19) VCF-style: chr1-201009491-C-T.
Identifiers: ClinVar variation 541067 (VCV000541067.11), dbSNP rs374660431, ClinGen allele CA35989714.